The following is an entry in ClinVar:

NM_024408.4(NOTCH2):c.1682-10C>A

Gene: NOTCH2 (notch receptor 2; minus strand). Cytogenetic location: 1p12.
Variant type: single nucleotide variant.
Coding change: c.1682-10C>A on transcript NM_024408.4 (MANE Select); 10 bases into the intron before coding-DNA position 1682, C replaced by A.
Molecular consequence: intron variant.
Genome position (GRCh38, 1-based): chr1:119,963,817, G>T on the plus strand (C>A on the coding strand, the complement: NOTCH2 is on the minus strand). VCF-style: chr1-119963817-G-T. GRCh37 (hg19) VCF-style: chr1-120506440-G-T.
Other names: c.1682-10C>A (NM_001200001.2).
Identifiers: ClinVar variation 988198 (VCV000988198.1), dbSNP rs782581707, ClinGen allele CA1040466.

ClinVar aggregate classification (germline): Uncertain significance (0 of 4 stars; one submission).

Conditions:
Congenital anomaly of kidney and urinary tract. Also called: Congenital anomalies of kidney and urinary tract; Congenital anomalies of the kidney and urinary tract. Identifiers: Orphanet 93545, MedGen C1968949, MeSH C566906, MONDO:0019719.

Allele frequency attached by ClinVar (database versions not stated): TOPMed below 0.00001 and 0.00001; gnomAD 0.00001.
gnomAD v4.1: 16 of 1,610,138 alleles (0.00099%); highest among the groups gnomAD compares: African/African-American, 0.0013%; no homozygotes.

Submission:

Sydney Genome Diagnostics, Children's Hospital Westmead
Classification: Uncertain significance for Congenital anomaly of kidney and urinary tract. Last evaluated: 2018-10-24. Review status: no assertion criteria provided. Collection method: clinical testing. Allele origin: unknown. Affected: yes. Observed: 1 variant allele, 1 heterozygote.
Comment: To our knowledge, this variant has not been previously reported in the literature to be associated with disease. This variant has been listed in Exome Aggregation Consortium (ExAC) browser with a very low allelic frequency (3 out of 120870 alleles). Its low frequency makes it difficult to exclude pathogenicity. It is unclear if this intronic variant 1682-10C>A will alter splicing or is a non-pathogenic variant.